The following is an entry in ClinVar:

NM_000133.4(F9):c.280G>A (p.Gly94Arg)

Gene: F9 (coagulation factor IX; plus strand). Cytogenetic location: Xq27.1.
Variant type: single nucleotide variant.
Coding change: c.280G>A on transcript NM_000133.4 (MANE Select); coding-DNA position 280, G replaced by A.
Protein change: p.Gly94Arg; replaces glycine 94 with arginine.
Molecular consequence: missense variant. On other transcripts: intron variant (1).
Genome position (GRCh38, 1-based): chrX:139,541,078, G>A. VCF-style: chrX-139541078-G-A. GRCh37 (hg19) VCF-style: chrX-138623237-G-A.
Other names: c.277+3692G>A (NM_001313913.2); short protein forms G94R.
Identifiers: ClinVar variation 454496 (VCV000454496.9), dbSNP rs1556437035, ClinGen allele CA414437361.

ClinVar aggregate classification (germline): Likely pathogenic (1 of 4 stars; one submission).

Conditions:
Hereditary factor IX deficiency disease (HEMB). Also called: Hemophilia B; Christmas Disease; F9 DEFICIENCY; FACTOR IX DEFICIENCY; PLASMA THROMBOPLASTIN COMPONENT DEFICIENCY. Identifiers: Orphanet 98879, MedGen C0008533, MeSH D002836, MONDO:0010604, OMIM 306900.
Thrombophilia, X-linked, due to factor 9 defect. Identifiers: MedGen C2749016, MONDO:0010432, OMIM 300807.

Allele frequency attached by ClinVar (database versions not stated): TOPMed 0.00001.

Submission:

Labcorp Genetics (formerly Invitae), Labcorp
Classification: Likely pathogenic for Thrombophilia, X-linked, due to factor 9 defect; Hereditary factor IX deficiency disease. Last evaluated: 2017-07-28. Review status: criteria provided, single submitter. Criteria: Invitae Variant Classification Sherloc (09022015). Collection method: clinical testing. Allele origin: germline.
Comment: In summary, the currently available evidence indicates that the variant is pathogenic, but additional data are needed to prove that conclusively. Therefore, this variant has been classified as Likely Pathogenic. Algorithms developed to predict the effect of missense changes on protein structure and function (SIFT, PolyPhen-2, Align-GVGD) all suggest that this variant is likely to be disruptive, but these predictions have not been confirmed by published functional studies and their clinical significance is uncertain. This variant has been reported in multiple individuals affected with mild hemophilia B (PMID: 20305539, 10595634, 1796396, 19699296). This variant is also known as 10394G>A and Gly48Arg in the literature. This variant is not present in population databases (ExAC no frequency). This sequence change replaces glycine with arginine at codon 94 of the F9 protein (p.Gly94Arg). The glycine residue is highly conserved and there is a moderate physicochemical difference between glycine and arginine.

Literature cited by the submitters: PubMed 20305539; PubMed 10595634; PubMed 1796396; PubMed 19699296.